The following is an entry in ClinVar:

ClinVar aggregate classification (germline): Uncertain significance. Review status: criteria provided, multiple submitters, no conflicts (2 of 4 stars). 2 submissions from 2 submitters: Uncertain significance (2). Last evaluated 2025-09-30.

Conditions:
HNSHA due to aldolase A deficiency (GSD12). Also called: GSD XII; Glycogen storage disease due to aldolase A deficiency; GLYCOGEN STORAGE DISEASE XII; RED CELL ALDOLASE DEFICIENCY. Identifiers: Orphanet 57, MedGen C0272066, MONDO:0012747, OMIM 611881.

Allele frequency attached by ClinVar (database versions not stated): ExAC 0.00001; gnomAD 0.00001; TOPMed 0.00003.
gnomAD v4.1: 29 of 1,613,930 alleles (0.0018%); highest among the groups gnomAD compares: Non-Finnish European, 0.0018%; 1 homozygote.

Submissions (3):

GeneDx
Classification: Uncertain significance. Last evaluated: 2025-09-30. Review status: criteria provided, single submitter. Criteria: GeneDx Variant Classification Process June 2021. Collection method: clinical testing. Allele origin: germline. Affected: yes.
Comment: Not observed at significant frequency in large population cohorts (gnomAD); In silico analysis supports a deleterious effect on splicing; Has not been previously published as pathogenic or benign to our knowledge

Labcorp Genetics (formerly Invitae), Labcorp
Classification: Uncertain significance for HNSHA due to aldolase A deficiency. Last evaluated: 2020-02-18. Review status: criteria provided, single submitter. Criteria: Invitae Variant Classification Sherloc (09022015). Collection method: clinical testing. Allele origin: germline.
Comment: This variant is present in population databases (rs774939475, ExAC 0.002%). In summary, the available evidence is currently insufficient to determine the role of this variant in disease. Therefore, it has been classified as a Variant of Uncertain Significance. Nucleotide substitutions within the consensus splice site are a relatively common cause of aberrant splicing (PMID: 17576681, 9536098). Algorithms developed to predict the effect of sequence changes on RNA splicing suggest that this variant may disrupt the consensus splice site, but this prediction has not been confirmed by published transcriptional studies. This variant has not been reported in the literature in individuals with ALDOA-related conditions. This sequence change falls in intron 7 of the ALDOA gene. It does not directly change the encoded amino acid sequence of the ALDOA protein, but it affects a nucleotide within the consensus splice site of the intron.

Dr. Peter K. Rogan Lab, Western University
No classification provided (evidence only). Condition: Cervical cancer. Review status: no classification provided. Collection method: in vitro. Allele origin: not applicable. Functional consequence: retained intron. Not counted in ClinVar's aggregate classification.

Literature cited by the submitters: PubMed 17576681 (cited by Labcorp Genetics (formerly Invitae), Labcorp); PubMed 9536098 (cited by Labcorp Genetics (formerly Invitae), Labcorp).

NM_001243177.4(ALDOA):c.274+5G>A

Genes: ALDOA (aldolase, fructose-bisphosphate A; plus strand), LOC112694756 (uncharaterized LOC112694756; plus strand). Cytogenetic location: 16p11.2.
Variant type: single nucleotide variant.
Coding change: c.274+5G>A on transcript NM_001243177.4 (MANE Select); 5 bases into the intron after coding-DNA position 274, G replaced by A.
Molecular consequence: intron variant.
Genome position (GRCh38, 1-based): chr16:30,067,371, G>A. VCF-style: chr16-30067371-G-A. GRCh37 (hg19) VCF-style: chr16-30078692-G-A.
Other names: c.*621+5G>A (NM_001365307.2, NM_001365305.2, NM_001365304.2); c.112+5G>A (NM_184043.2, NM_001127617.2, NM_184041.5).
Identifiers: ClinVar variation 1043680 (VCV001043680.7), dbSNP rs774939475, ClinGen allele CA8000865.
Genomic context (GRCh38, chr16:30,067,371, plus strand): 5'-CGCTCACCGCATCGTGGCACCTGGCAAGGGCATCCTGGCTGCAGATGAGTCCACTGGTGC[G>A]GGCAGGAGACAGAATGGGTGGAGGGTGCAGGGTTGGGAGTGGCAGGCTGATCCCCTAATT-3'